The following is an entry in ClinVar:

ClinVar aggregate classification (germline): Uncertain significance. Review status: criteria provided, multiple submitters, no conflicts (2 of 4 stars). 2 submissions from 2 submitters: Uncertain significance (2). Last evaluated 2025-08-10.

Conditions:
Dilated cardiomyopathy 1W (CMD1W). Identifiers: Orphanet 154, MedGen C1969639, MONDO:0012667, OMIM 611407.

Submissions (2):

Labcorp Genetics (formerly Invitae), Labcorp
Classification: Uncertain significance for Dilated cardiomyopathy 1W. Last evaluated: 2025-08-10. Review status: criteria provided, single submitter. Criteria: Invitae Variant Classification Sherloc (09022015). Collection method: clinical testing. Allele origin: germline.
Comment: This sequence change replaces lysine, which is basic and polar, with glutamine, which is neutral and polar, at codon 464 of the VCL protein (p.Lys464Gln). This variant is not present in population databases (gnomAD no frequency). This variant has not been reported in the literature in individuals affected with VCL-related conditions. ClinVar contains an entry for this variant (Variation ID: 45578). An algorithm developed to predict the effect of missense changes on protein structure and function (PolyPhen-2) suggests that this variant is likely to be disruptive. In summary, the available evidence is currently insufficient to determine the role of this variant in disease. Therefore, it has been classified as a Variant of Uncertain Significance.

Laboratory for Molecular Medicine, Mass General Brigham Personalized Medicine
Classification: Uncertain significance. Last evaluated: 2012-07-06. Review status: criteria provided, single submitter. Criteria: LMM Criteria. Collection method: clinical testing. Allele origin: germline. Observed: 1 variant allele.
Comment: The Lys464Gln variant in VCL has not been reported in the literature nor previou sly identified by our laboratory. Computational analyses (biochemical amino acid properties, conservation, AlignGVGD, PolyPhen2, and SIFT) suggest that this var iant may not impact the protein, though this information is not predictive enoug h to rule out pathogenicity. Additional information is needed to fully assess th e clinical significance of this variant.

NM_014000.3(VCL):c.1390A>C (p.Lys464Gln)

Gene: VCL (vinculin; plus strand). Cytogenetic location: 10q22.2.
Variant type: single nucleotide variant.
Coding change: c.1390A>C on transcript NM_014000.3 (MANE Select); coding-DNA position 1390, A replaced by C.
Protein change: p.Lys464Gln; replaces lysine 464 with glutamine.
Molecular consequence: missense variant.
Genome position (GRCh38, 1-based): chr10:74,094,308, A>C. VCF-style: chr10-74094308-A-C. GRCh37 (hg19) VCF-style: chr10-75854066-A-C.
Other names: c.1390A>C, p.Lys464Gln (NM_003373.4); short protein forms K464Q.
Identifiers: ClinVar variation 45578 (VCV000045578.6), dbSNP rs200710859, ClinGen allele CA136691.